The following is an entry in ClinVar:

NM_001353921.2(ARHGEF9):c.1322-1G>A

Gene: ARHGEF9 (Cdc42 guanine nucleotide exchange factor 9; minus strand). Cytogenetic location: Xq11.1.
Variant type: single nucleotide variant.
Coding change: c.1322-1G>A on transcript NM_001353921.2 (MANE Select); the canonical splice acceptor site of the intron before coding-DNA position 1322, G replaced by A.
Molecular consequence: splice acceptor variant.
Genome position (GRCh38, 1-based): chrX:63,644,049, C>T on the plus strand (G>A on the coding strand, the complement: ARHGEF9 is on the minus strand). VCF-style: chrX-63644049-C-T. GRCh37 (hg19) VCF-style: chrX-62863929-C-T.
Other names: c.1142-1G>A (NM_001173479.2); c.1190-1G>A (NM_001353922.2); c.994-1G>A (NM_001369043.1, NM_001369044.1); c.1238-1G>A (NM_001330495.2, NM_001369038.1, NM_001369037.1 and 4 more transcripts); c.1340-1G>A (NM_001353923.1); c.1106-1G>A (NM_001369041.1, NM_001353927.2); c.1121-1G>A (NM_001369040.1, NM_001369039.1, NM_001353926.2 and 1 more transcripts); c.1301-1G>A (NM_001369031.1, NM_001369030.1, NM_001369032.1 and 1 more transcripts); and 3 more.
Identifiers: ClinVar variation 3361079 (VCV003361079.1).
Genomic context (GRCh38, chrX:63,644,049, plus strand): 5'-TAGGGACTTTTCTCACAGTCATTGCAGCCTGCCTCTTCTGGTTTTCAGAAATTTCAAAGC[C>T]TAAAAAAGAAAAATATATGATTTTTTAAATGAGAAACACACACCCTTACTGAGTGTATAA-3'

ClinVar aggregate classification (germline): Likely pathogenic (1 of 4 stars; one submission).

Submission:

GeneDx
Classification: Likely pathogenic. Last evaluated: 2023-07-14. Review status: criteria provided, single submitter. Criteria: GeneDx Variant Classification Process June 2021. Collection method: clinical testing. Allele origin: germline. Affected: yes.
Comment: Canonical splice site variant predicted to result in an in-frame loss of the adjacent exon in a gene for which loss of function is a known mechanism of disease; Not observed at significant frequency in large population cohorts (gnomAD); Has not been previously published as pathogenic or benign to our knowledge